The following is an entry in ClinVar:

NM_201384.3(PLEC):c.11155G>A (p.Val3719Met)

Gene: PLEC (plectin; minus strand). Cytogenetic location: 8q24.3.
Variant type: single nucleotide variant.
Coding change: c.11155G>A on transcript NM_201384.3 (MANE Select); coding-DNA position 11155, G replaced by A.
Protein change: p.Val3719Met; replaces valine 3719 with methionine.
Molecular consequence: missense variant.
Genome position (GRCh38, 1-based): chr8:143,918,666, C>T on the plus strand (G>A on the coding strand, the complement: PLEC is on the minus strand). VCF-style: chr8-143918666-C-T. GRCh37 (hg19) VCF-style: chr8-144992834-C-T.
Other names: c.11236G>A, p.Val3746Met (NM_000445.5); c.7855G>A, p.Val2619Met (NM_001410941.1); c.11113G>A, p.Val3705Met (NM_201378.4); c.11089G>A, p.Val3697Met (NM_201379.3); c.11566G>A, p.Val3856Met (NM_201380.4); c.11236G>A (NM_000445.3); c.11059G>A, p.Val3687Met (NM_201381.3); c.11155G>A, p.Val3719Met (NM_201382.4); and 1 more; short protein forms V2619M, V3687M, V3697M, V3705M, V3719M, V3723M, V3746M, V3856M.
Identifiers: ClinVar variation 3762735 (VCV003762735.3).

ClinVar aggregate classification (germline): Uncertain significance. Review status: criteria provided, multiple submitters, no conflicts (2 of 4 stars). 2 submissions from 2 submitters: Uncertain significance (2). Last evaluated 2025-05-19.

Conditions:
Inborn genetic diseases. Identifiers: MedGen C0950123, MeSH D030342.
Epidermolysis bullosa simplex with nail dystrophy (EBS5D). Identifiers: MedGen C4225309, MONDO:0014661, OMIM 616487.
Epidermolysis bullosa simplex, Ogna type (EBS5A). Also called: EPIDERMOLYSIS BULLOSA SIMPLEX 5A, OGNA TYPE; Pidermolysis bullosa simplex 5A, Ogna type. Identifiers: Orphanet 79401, MedGen C0432317, MONDO:0007555, OMIM 131950.
Autosomal recessive limb-girdle muscular dystrophy type 2Q (LGMDR17). Also called: MUSCULAR DYSTROPHY, LIMB-GIRDLE, AUTOSOMAL RECESSIVE 17. Identifiers: Orphanet 254361, MedGen C3150989, MONDO:0013390, OMIM 613723.
Epidermolysis bullosa simplex 5B, with muscular dystrophy (EBS5B). Also called: EPIDERMOLYSIS BULLOSA SIMPLEX AND LIMB-GIRDLE MUSCULAR DYSTROPHY; Epidermolysis bullosa simplex with muscular dystrophy. Identifiers: Orphanet 257, MedGen C2931072, MONDO:0009181, OMIM 226670.
Epidermolysis bullosa simplex 5C, with pyloric atresia (EBS5C). Also called: PLEC1-Related Epidermolysis Bullosa with Pyloric Atresia; PLEC-Related Epidermolysis Bullosa with Pyloric Atresia; Epidermolysis bullosa simplex with pyloric atresia. Identifiers: Orphanet 158684, MedGen C2677349, MONDO:0012807, OMIM 612138.

gnomAD v4.1: 1 of 1,612,870 alleles (0.000062%); highest among the groups gnomAD compares: African/African-American, 0.0013%; no homozygotes.

Submissions (2):

Ambry Genetics
Classification: Uncertain significance for Inborn genetic diseases. Last evaluated: 2025-05-19. Review status: criteria provided, single submitter. Criteria: Ambry Variant Classification Scheme 2023. Collection method: clinical testing. Allele origin: germline.

Labcorp Genetics (formerly Invitae), Labcorp
Classification: Uncertain significance for Autosomal recessive limb-girdle muscular dystrophy type 2Q; Epidermolysis bullosa simplex, Ogna type; Epidermolysis bullosa simplex with nail dystrophy; Epidermolysis bullosa simplex 5C, with pyloric atresia; Epidermolysis bullosa simplex 5B, with muscular dystrophy. Last evaluated: 2024-09-24. Review status: criteria provided, single submitter. Criteria: Invitae Variant Classification Sherloc (09022015). Collection method: clinical testing. Allele origin: germline.
Comment: This sequence change replaces valine, which is neutral and non-polar, with methionine, which is neutral and non-polar, at codon 3746 of the PLEC protein (p.Val3746Met). This variant is present in population databases (no rsID available, gnomAD 0.007%). This variant has not been reported in the literature in individuals affected with PLEC-related conditions. An algorithm developed to predict the effect of missense changes on protein structure and function (PolyPhen-2) suggests that this variant is likely to be disruptive. In summary, the available evidence is currently insufficient to determine the role of this variant in disease. Therefore, it has been classified as a Variant of Uncertain Significance.